The following is an entry in ClinVar:

NM_017849.4(TMEM127):c.317G>T (p.Cys106Phe)

Gene: TMEM127 (transmembrane protein 127; minus strand). Cytogenetic location: 2q11.2.
Variant type: single nucleotide variant.
Coding change: c.317G>T on transcript NM_017849.4 (MANE Select); coding-DNA position 317, G replaced by T.
Protein change: p.Cys106Phe; replaces cysteine 106 with phenylalanine.
Molecular consequence: missense variant.
Genome position (GRCh38, 1-based): chr2:96,254,925, C>A on the plus strand (G>T on the coding strand, the complement: TMEM127 is on the minus strand). VCF-style: chr2-96254925-C-A. GRCh37 (hg19) VCF-style: chr2-96920663-C-A.
Other names: c.317G>T, p.Cys106Phe (NM_001193304.3); c.65G>T, p.Cys22Phe (NM_001407282.1, NM_001407283.1); short protein forms C106F, C22F.
Identifiers: ClinVar variation 2448384 (VCV002448384.2), dbSNP rs2104287456, ClinGen allele CA347653471.

ClinVar aggregate classification (germline): Uncertain significance (1 of 4 stars; one submission).

Conditions:
Hereditary cancer-predisposing syndrome. Also called: Neoplastic Syndromes, Hereditary; Hereditary Cancer Syndrome; Tumor predisposition; Hereditary neoplastic syndrome. Identifiers: Orphanet 140162, MedGen C0027672, MeSH D009386, MONDO:0015356.

Submission:

Ambry Genetics
Classification: Uncertain significance for Hereditary cancer-predisposing syndrome. Last evaluated: 2023-01-27. Review status: criteria provided, single submitter. Criteria: Ambry Variant Classification Scheme 2023. Collection method: clinical testing. Allele origin: germline.
Comment: The p.C106F variant (also known as c.317G>T), located in coding exon 2 of the TMEM127 gene, results from a G to T substitution at nucleotide position 317. The cysteine at codon 106 is replaced by phenylalanine, an amino acid with highly dissimilar properties. This amino acid position is conserved. In addition, this alteration is predicted to be deleterious by in silico analysis. Since supporting evidence is limited at this time, the clinical significance of this alteration remains unclear.